The following is an entry in ClinVar:

NM_138420.4(AHNAK2):c.2990A>G (p.Lys997Arg)

Gene: AHNAK2 (AHNAK nucleoprotein 2; minus strand). Cytogenetic location: 14q32.33.
Variant type: single nucleotide variant.
Coding change: c.2990A>G on transcript NM_138420.4 (MANE Select); coding-DNA position 2990, A replaced by G.
Protein change: p.Lys997Arg; replaces lysine 997 with arginine.
Molecular consequence: missense variant.
Genome position (GRCh38, 1-based): chr14:104,952,461, T>C on the plus strand (A>G on the coding strand, the complement: AHNAK2 is on the minus strand). VCF-style: chr14-104952461-T-C. GRCh37 (hg19) VCF-style: chr14-105418798-T-C.
Other names: c.2690A>G, p.Lys897Arg (NM_001350929.2); short protein forms K897R, K997R.
Identifiers: ClinVar variation 2644870 (VCV002644870.24), dbSNP rs200638785, ClinGen allele CA7383272.

ClinVar aggregate classification (germline): Benign (1 of 4 stars; one submission).

Allele frequency attached by ClinVar (database versions not stated): gnomAD exomes 0.00016; ExAC 0.00059; 1000 Genomes Project 30x 0.01234.

Submission:

CeGaT Center for Human Genetics Tuebingen
Classification: Benign. Last evaluated: 2022-09-01. Review status: criteria provided, single submitter. Criteria: CeGaT Center For Human Genetics Tuebingen Variant Classification Criteria Version 2. Collection method: clinical testing. Allele origin: germline. Affected: yes. Observed: 1 variant allele.
Comment: AHNAK2: BS1, BS2